The following is an entry in ClinVar:

NM_001605.3(AARS1):c.822_829del (p.Gly275fs)

Gene: AARS1 (alanyl-tRNA synthetase 1; minus strand). Cytogenetic location: 16q22.1.
Variant type: Deletion.
Coding change: c.822_829del on transcript NM_001605.3 (MANE Select); coding-DNA positions 822 to 829, 8 bases deleted (AGGTGCCC; older notation c.822_829delAGGTGCCC).
Protein change: p.Gly275fs; shifts the reading frame from glycine 275.
Molecular consequence: frameshift variant.
Genome position (GRCh38, 1-based): chr16:70,269,751-70,269,758, GGGCACCT deleted on the plus strand (AGGTGCCC on the coding strand, the reverse complement: AARS1 is on the minus strand); deleting any 8 consecutive bases within chr16:70,269,751-70,269,759 gives the same sequence; the c. name uses the placement nearest the transcript's 3' end. VCF-style (leftmost placement, unchanged base first): chr16-70269750-CGGGCACCT-C. GRCh37 (hg19) VCF-style: chr16-70303653-CGGGCACCT-C.
Other names: short protein forms G275fs.
Identifiers: ClinVar variation 4735534 (VCV004735534.1).

ClinVar aggregate classification (germline): Pathogenic (1 of 4 stars; one submission).

Conditions:
Charcot-Marie-Tooth disease type 2. Also called: Charcot-Marie-Tooth type 2. Identifiers: Orphanet 64746, MedGen C0270914, MONDO:0018993.

Submission:

Labcorp Genetics (formerly Invitae), Labcorp
Classification: Pathogenic for Charcot-Marie-Tooth disease type 2. Last evaluated: 2026-01-27. Review status: criteria provided, single submitter. Criteria: Invitae Variant Classification Sherloc (09022015). Collection method: clinical testing. Allele origin: germline.
Comment: This sequence change creates a premature translational stop signal (p.Gly275Thrfs*9) in the AARS gene. It is expected to result in an absent or disrupted protein product. Loss-of-function variants in AARS are known to be pathogenic (PMID: 25817015, 28493438, 34446925). This variant is not present in population databases (gnomAD no frequency). This variant has not been reported in the literature in individuals affected with AARS-related conditions. For these reasons, this variant has been classified as Pathogenic.

Literature cited by the submitters: PubMed 25817015; PubMed 28493438; PubMed 34446925.